The following is an entry in ClinVar:

NM_000245.4(MET):c.1863-2A>G

Gene: MET (MET proto-oncogene, receptor tyrosine kinase; plus strand). Cytogenetic location: 7q31.2.
Variant type: single nucleotide variant.
Coding change: c.1863-2A>G on transcript NM_000245.4 (MANE Select); the canonical splice acceptor site of the intron before coding-DNA position 1863, A replaced by G.
Molecular consequence: splice acceptor variant.
Genome position (GRCh38, 1-based): chr7:116,757,435, A>G. VCF-style: chr7-116757435-A-G. GRCh37 (hg19) VCF-style: chr7-116397489-A-G.
Other names: c.1863-2A>G (NM_001127500.3, NM_001324401.3); c.573-2A>G (NM_001324402.2).
Identifiers: ClinVar variation 660664 (VCV000660664.9), dbSNP rs1370688649, ClinGen allele CA368979185.

ClinVar aggregate classification (germline): Uncertain significance. Review status: criteria provided, multiple submitters, no conflicts (2 of 4 stars). 2 submissions from 2 submitters: Uncertain significance (2). Last evaluated 2025-09-06.

Conditions:
Renal cell carcinoma. Identifiers: Orphanet 217071, MedGen C0007134, MeSH D002292, MONDO:0005086, HP:0005584.
Hereditary cancer-predisposing syndrome. Also called: Hereditary neoplastic syndrome; Neoplastic Syndromes, Hereditary; Hereditary Cancer Syndrome; Tumor predisposition. Identifiers: Orphanet 140162, MedGen C0027672, MeSH D009386, MONDO:0015356.

Allele frequency attached by ClinVar (database versions not stated): gnomAD exomes below 0.00001.
gnomAD v4.1: 1 of 1,612,590 alleles (0.000062%); highest among the groups gnomAD compares: Non-Finnish European, 0.000085%; no homozygotes.

Submissions (2):

Ambry Genetics
Classification: Uncertain significance for Hereditary cancer-predisposing syndrome. Last evaluated: 2025-09-06. Review status: criteria provided, single submitter. Criteria: Ambry Variant Classification Scheme 2023. Collection method: clinical testing. Allele origin: germline.
Comment: The c.1863-2A>G intronic variant results from an A to G substitution two nucleotides upstream from coding exon 6 in the MET gene. This nucleotide position is highly conserved in available vertebrate species. In silico splice site analysis predicts that this alteration will weaken the native splice acceptor site. Alterations that disrupt the canonical splice site are expected to cause aberrant splicing, resulting in an abnormal protein or a transcript that is subject to nonsense-mediated mRNA decay. However, loss of function of MET has not been established as a mechanism of disease. Based on the available evidence, the clinical significance of this alteration remains unclear.

Labcorp Genetics (formerly Invitae), Labcorp
Classification: Uncertain significance for Renal cell carcinoma. Last evaluated: 2023-04-03. Review status: criteria provided, single submitter. Criteria: Invitae Variant Classification Sherloc (09022015). Collection method: clinical testing. Allele origin: germline.
Comment: This sequence change affects an acceptor splice site in intron 6 of the MET gene. It is expected to disrupt RNA splicing. Variants that disrupt the donor or acceptor splice site typically lead to a loss of protein function (PMID: 16199547), however the current clinical and genetic evidence is not sufficient to establish whether loss-of-function variants in MET cause disease. This variant is present in population databases (no rsID available, gnomAD 0.0009%). This variant has not been reported in the literature in individuals affected with MET-related conditions. ClinVar contains an entry for this variant (Variation ID: 660664). Algorithms developed to predict the effect of sequence changes on RNA splicing suggest that this variant may disrupt the consensus splice site. In summary, the available evidence is currently insufficient to determine the role of this variant in disease. Therefore, it has been classified as a Variant of Uncertain Significance.

Literature cited by the submitters: PubMed 16199547 (cited by Labcorp Genetics (formerly Invitae), Labcorp).